The following is an entry in ClinVar:

ClinVar aggregate classification (germline): Uncertain significance. Review status: criteria provided, multiple submitters, no conflicts (2 of 4 stars). 3 submissions from 3 submitters: Uncertain significance (3). Last evaluated 2022-06-27.

Allele frequency attached by ClinVar (database versions not stated): gnomAD 0.00001; gnomAD exomes 0.00001 and 0.00002.

Submissions (3):

GeneDx
Classification: Uncertain significance. Last evaluated: 2022-06-27. Review status: criteria provided, single submitter. Criteria: GeneDx Variant Classification Process June 2021. Collection method: clinical testing. Allele origin: germline. Affected: yes.
Comment: In silico analysis supports that this missense variant has a deleterious effect on protein structure/function; Has not been previously published as pathogenic or benign to our knowledge

Labcorp Genetics (formerly Invitae), Labcorp
Classification: Uncertain significance. Last evaluated: 2020-12-19. Review status: criteria provided, single submitter. Criteria: Invitae Variant Classification Sherloc (09022015). Collection method: clinical testing. Allele origin: germline.
Comment: In summary, the available evidence is currently insufficient to determine the role of this variant in disease. Therefore, it has been classified as a Variant of Uncertain Significance. Algorithms developed to predict the effect of missense changes on protein structure and function are either unavailable or do not agree on the potential impact of this missense change (SIFT: "Deleterious"; PolyPhen-2: "Probably Damaging"; Align-GVGD: "Class C0"). This variant has not been reported in the literature in individuals with HSPG2-related conditions. ClinVar contains an entry for this variant (Variation ID: 447553). This variant is not present in population databases (ExAC no frequency). This sequence change replaces arginine with histidine at codon 1550 of the HSPG2 protein (p.Arg1550His). The arginine residue is highly conserved and there is a small physicochemical difference between arginine and histidine.

Athena Diagnostics
Classification: Uncertain significance. Last evaluated: 2017-06-19. Review status: criteria provided, single submitter. Criteria: Athena Diagnostics Criteria. Collection method: clinical testing. Allele origin: germline.

NM_005529.7(HSPG2):c.4649G>A (p.Arg1550His)

Gene: HSPG2 (heparan sulfate proteoglycan 2; minus strand). Cytogenetic location: 1p36.12.
Variant type: single nucleotide variant.
Coding change: c.4649G>A on transcript NM_005529.7 (MANE Select); coding-DNA position 4649, G replaced by A.
Protein change: p.Arg1550His; replaces arginine 1550 with histidine.
Molecular consequence: missense variant.
Genome position (GRCh38, 1-based): chr1:21,864,191, C>T on the plus strand (G>A on the coding strand, the complement: HSPG2 is on the minus strand). VCF-style: chr1-21864191-C-T. GRCh37 (hg19) VCF-style: chr1-22190684-C-T.
Other names: c.4652G>A, p.Arg1551His (NM_001291860.2); short protein forms R1550H, R1551H.
Identifiers: ClinVar variation 447553 (VCV000447553.11), dbSNP rs936183951, ClinGen allele CA19134348.
Genomic context (GRCh38, chr1:21,864,191, plus strand): 5'-TCTGAGTGGCCATTGCATTCACATAGCTCGCAGTGGCCGAGGTAGAGCCCACTCCCGGTG[C>T]GCGTGTAGCCGGGGGCACAGTCCTAGGGGCAGAGAGGAAGGTTGGCCTCTGTTCCCAACG-3'
Protein context (NP_005520.4, residues 1540-1560): SCQDCAPGYT[Arg1550His]TGSGLYLGHC